The following is an entry in ClinVar:

NM_001111.5(ADAR):c.3566C>T (p.Ala1189Val)

Gene: ADAR (adenosine deaminase RNA specific; minus strand). Cytogenetic location: 1q21.3.
Variant type: single nucleotide variant.
Coding change: c.3566C>T on transcript NM_001111.5 (MANE Select); coding-DNA position 3566, C replaced by T.
Protein change: p.Ala1189Val; replaces alanine 1189 with valine.
Molecular consequence: missense variant.
Genome position (GRCh38, 1-based): chr1:154,584,921, G>A on the plus strand (C>T on the coding strand, the complement: ADAR is on the minus strand). VCF-style: chr1-154584921-G-A. GRCh37 (hg19) VCF-style: chr1-154557397-G-A.
Other names: c.2681C>T, p.Ala894Val (NM_001025107.3, NM_001193495.2, NM_001365046.1 and 2 more transcripts); c.3593C>T, p.Ala1198Val (NM_001365045.1); c.2603C>T, p.Ala868Val (NM_001365049.1); c.3488C>T, p.Ala1163Val (NM_015840.4); c.3431C>T, p.Ala1144Val (NM_015841.4); short protein forms A1144V, A1163V, A894V, A1198V, A868V, A1189V.
Identifiers: ClinVar variation 2943112 (VCV002943112.3), dbSNP rs2526444101, ClinGen allele CA342634679.

ClinVar aggregate classification (germline): Uncertain significance (1 of 4 stars; one submission).

Conditions:
Symmetrical dyschromatosis of extremities (DSH). Also called: DYSCHROMATOSIS SYMMETRICA HEREDITARIA 1; RETICULATE ACROPIGMENTATION OF DOHI; SYMMETRIC DYSCHROMATOSIS OF THE EXTREMITIES; Dyschromatosis symmetrica hereditaria. Identifiers: Orphanet 41, MedGen C0406775, MONDO:0007483, OMIM 127400.
Aicardi-Goutieres syndrome 6 (AGS6). Identifiers: Orphanet 51, MedGen C3539013, MONDO:0014007, OMIM 615010.

Submission:

Labcorp Genetics (formerly Invitae), Labcorp
Classification: Uncertain significance for Aicardi-Goutieres syndrome 6; Symmetrical dyschromatosis of extremities. Last evaluated: 2023-06-27. Review status: criteria provided, single submitter. Criteria: Invitae Variant Classification Sherloc (09022015). Collection method: clinical testing. Allele origin: germline.
Comment: Advanced modeling of protein sequence and biophysical properties (such as structural, functional, and spatial information, amino acid conservation, physicochemical variation, residue mobility, and thermodynamic stability) performed at Invitae indicates that this missense variant is not expected to disrupt ADAR protein function. In summary, the available evidence is currently insufficient to determine the role of this variant in disease. Therefore, it has been classified as a Variant of Uncertain Significance. This variant has not been reported in the literature in individuals affected with ADAR-related conditions. This variant is not present in population databases (gnomAD no frequency). This sequence change replaces alanine, which is neutral and non-polar, with valine, which is neutral and non-polar, at codon 1189 of the ADAR protein (p.Ala1189Val).